The following is an entry in ClinVar:

NM_001077350.3(NPRL3):c.924+7C>G

Genes: HBA-LCR (alpha-globin locus control region; plus strand), NPRL3 (NPR3 like, GATOR1 complex subunit; minus strand). Cytogenetic location: 16p13.3.
Variant type: single nucleotide variant.
Coding change: c.924+7C>G on transcript NM_001077350.3 (MANE Select); 7 bases into the intron after coding-DNA position 924, C replaced by G.
Molecular consequence: intron variant.
Genome position (GRCh38, 1-based): chr16:98,138, G>C on the plus strand (C>G on the coding strand, the complement: NPRL3 is on the minus strand). VCF-style: chr16-98138-G-C. GRCh37 (hg19) VCF-style: chr16-148136-G-C.
Other names: c.690+7C>G (NM_001243247.2); c.849+7C>G (NM_001243248.2, NM_001243249.2); c.387+7C>G (NM_001039476.3).
Identifiers: ClinVar variation 542807 (VCV000542807.14), dbSNP rs778499898, ClinGen allele CA7769511.
Genomic context (GRCh38, chr16:98,138, plus strand): 5'-GGCGGCCTGCCTTTCCTGATGCCCCAGCACCGCCACATGCCACCCATCTGGGCCTCCAGA[G>C]CTATACCTGCAGCAAGGCCAGGTCCGCATCTTGGGCTAGCTGCTGCAGGTTCTTCACAGC-3'

ClinVar aggregate classification (germline): Benign. Review status: criteria provided, multiple submitters, no conflicts (2 of 4 stars). 3 submissions from 3 submitters: Benign (2). 1 of the submissions does not count toward it. Last evaluated 2025-12-13.

Conditions:
NPRL3-related disorder. Also called: NPRL3-related condition.
Epilepsy, familial focal, with variable foci 3 (FFEVF3). Identifiers: MedGen C4310708, MONDO:0014925, OMIM 617118.

Allele frequency attached by ClinVar (database versions not stated): gnomAD 0.00004; ExAC 0.00030; TOPMed 0.00017; gnomAD exomes 0.00044.

Submissions (3):

Labcorp Genetics (formerly Invitae), Labcorp
Classification: Benign for Epilepsy, familial focal, with variable foci 3. Last evaluated: 2025-12-13. Review status: criteria provided, single submitter. Criteria: Invitae Variant Classification Sherloc (09022015). Collection method: clinical testing. Allele origin: germline.

GeneDx
Classification: Benign. Last evaluated: 2020-05-04. Review status: criteria provided, single submitter. Criteria: GeneDx Variant Classification Process June 2021. Collection method: clinical testing. Allele origin: germline. Affected: yes.

PreventionGenetics, part of Exact Sciences
Classification: Likely benign for NPRL3-related condition. Last evaluated: 2021-10-28. Review status: no assertion criteria provided. Collection method: clinical testing. Allele origin: germline. Not counted in ClinVar's aggregate classification.
Comment: This variant is classified as likely benign based on ACMG/AMP sequence variant interpretation guidelines (Richards et al. 2015 PMID: 25741868, with internal and published modifications).